The following is an entry in ClinVar:

ClinVar aggregate classification (germline): Uncertain significance. Review status: criteria provided, multiple submitters, no conflicts (2 of 4 stars). 2 submissions from 2 submitters: Uncertain significance (2). Last evaluated 2025-01-10.

Conditions:
Dyskeratosis congenita, autosomal recessive 5 (DKCB5). Identifiers: MedGen C3554656, MONDO:0014076, OMIM 615190.
Pulmonary fibrosis and/or bone marrow failure, Telomere-related, 3. Also called: PULMONARY FIBROSIS AND/OR BONE MARROW FAILURE SYNDROME, TELOMERE-RELATED, 3. Identifiers: Orphanet 2032, MedGen C4225346, MONDO:0014613, OMIM 616373.
Inborn genetic diseases. Identifiers: MedGen C0950123, MeSH D030342.

gnomAD v4.1: 7 of 1,611,006 alleles (0.00043%); highest among the groups gnomAD compares: Non-Finnish European, 0.00059%; no homozygotes.

Submissions (2):

Ambry Genetics
Classification: Uncertain significance for Inborn genetic diseases. Last evaluated: 2025-01-10. Review status: criteria provided, single submitter. Criteria: Ambry Variant Classification Scheme 2023. Collection method: clinical testing. Allele origin: germline.
Comment: The p.K790E variant (also known as c.2368A>G), located in coding exon 25 of the RTEL1 gene, results from an A to G substitution at nucleotide position 2368. The lysine at codon 790 is replaced by glutamic acid, an amino acid with similar properties. This amino acid position is conserved. In addition, this alteration is predicted to be tolerated by in silico analysis. Based on the available evidence, the clinical significance of this variant remains unclear.

Labcorp Genetics (formerly Invitae), Labcorp
Classification: Uncertain significance for Dyskeratosis congenita, autosomal recessive 5; Pulmonary fibrosis and/or bone marrow failure, Telomere-related, 3. Last evaluated: 2024-07-24. Review status: criteria provided, single submitter. Criteria: Invitae Variant Classification Sherloc (09022015). Collection method: clinical testing. Allele origin: germline.
Comment: This sequence change replaces lysine, which is basic and polar, with glutamic acid, which is acidic and polar, at codon 790 of the RTEL1 protein (p.Lys790Glu). This variant is present in population databases (no rsID available, gnomAD 0.007%). This variant has not been reported in the literature in individuals affected with RTEL1-related conditions. An algorithm developed to predict the effect of missense changes on protein structure and function (PolyPhen-2) suggests that this variant is likely to be disruptive. In summary, the available evidence is currently insufficient to determine the role of this variant in disease. Therefore, it has been classified as a Variant of Uncertain Significance.

NM_001283009.2(RTEL1):c.2368A>G (p.Lys790Glu)

Genes: RTEL1 (regulator of telomere elongation helicase 1; plus strand), RTEL1-TNFRSF6B (RTEL1-TNFRSF6B readthrough (NMD candidate); plus strand). Cytogenetic location: 20q13.33.
Variant type: single nucleotide variant.
Coding change: c.2368A>G on transcript NM_001283009.2 (MANE Select); coding-DNA position 2368, A replaced by G.
Protein change: p.Lys790Glu; replaces lysine 790 with glutamic acid.
Molecular consequence: missense variant. On other transcripts: non-coding transcript variant (1).
Genome position (GRCh38, 1-based): chr20:63,690,396, A>G. VCF-style: chr20-63690396-A-G. GRCh37 (hg19) VCF-style: chr20-62321749-A-G.
Other names: c.1699A>G, p.Lys567Glu (NM_001283010.1); c.2368A>G, p.Lys790Glu (NM_016434.4); c.2440A>G, p.Lys814Glu (NM_032957.5); short protein forms K567E, K790E, K814E.
Identifiers: ClinVar variation 3762203 (VCV003762203.3).
Genomic context (GRCh38, chr20:63,690,396, plus strand): 5'-GGAGAAGATGCTGTCAGCGAGGCCAAGTCGCCTGGCCCCTTCTTCTCCACCAGGAAAGCT[A>G]AGAGTCTGGACCTGCATGTCCCCAGCCTGAAGCAGAGGTCCTCAGGTGCGGACGGGCAGC-3'
Protein context (NP_001269938.1, residues 780-800): PGPFFSTRKA[Lys790Glu]SLDLHVPSLK